The following is an entry in ClinVar:

ClinVar aggregate classification (germline): Conflicting classifications of pathogenicity. Review status: criteria provided, conflicting classifications (1 of 4 stars). 2 submissions from 2 submitters: Uncertain significance (1); Likely benign (1). Last evaluated 2024-03-09.

Conditions:
Papillon-Lefèvre syndrome (PALS). Also called: Papillon-Lefevre Disease; KERATOSIS PALMOPLANTARIS WITH PERIODONTOPATHIA. Identifiers: Orphanet 678, MedGen C0030360, MONDO:0009490, OMIM 245000.
Periodontitis, aggressive. Identifiers: MedGen C0031106, MONDO:0980757.
Haim-Munk syndrome (HMS). Also called: COCHIN JEWISH DISORDER; KERATOSIS PALMOPLANTARIS WITH PERIODONTOPATHIA AND ONYCHOGRYPOSIS. Identifiers: Orphanet 2342, MedGen C1855627, MONDO:0009491, OMIM 245010.

Allele frequency attached by ClinVar (database versions not stated): ESP Exome Variant Server 0.00008; gnomAD exomes 0.00011 and 0.00015; ExAC 0.00012; gnomAD 0.00015 and 0.00016; TOPMed 0.00016.
gnomAD v4.1: 188 of 1,611,284 alleles (0.012%); highest among the groups gnomAD compares: Non-Finnish European, 0.015%; no homozygotes.

Submissions (2):

Blueprint Genetics
Classification: Likely benign. Last evaluated: 2024-03-09. Review status: criteria provided, single submitter. Criteria: ACMG Guidelines, 2015. Collection method: clinical testing. Allele origin: germline.

Labcorp Genetics (formerly Invitae), Labcorp
Classification: Uncertain significance for Haim-Munk syndrome; Periodontitis, aggressive; Papillon-Lefèvre syndrome. Last evaluated: 2022-09-27. Review status: criteria provided, single submitter. Criteria: Invitae Variant Classification Sherloc (09022015). Collection method: clinical testing. Allele origin: germline.
Comment: This sequence change replaces isoleucine, which is neutral and non-polar, with valine, which is neutral and non-polar, at codon 87 of the CTSC protein (p.Ile87Val). This variant is present in population databases (rs45447392, gnomAD 0.03%). This variant has not been reported in the literature in individuals affected with CTSC-related conditions. ClinVar contains an entry for this variant (Variation ID: 548698). Advanced modeling of protein sequence and biophysical properties (such as structural, functional, and spatial information, amino acid conservation, physicochemical variation, residue mobility, and thermodynamic stability) performed at Invitae indicates that this missense variant is not expected to disrupt CTSC protein function. In summary, the available evidence is currently insufficient to determine the role of this variant in disease. Therefore, it has been classified as a Variant of Uncertain Significance.

NM_001814.6(CTSC):c.259A>G (p.Ile87Val)

Gene: CTSC (cathepsin C; minus strand). Cytogenetic location: 11q14.2.
Variant type: single nucleotide variant.
Coding change: c.259A>G on transcript NM_001814.6 (MANE Select); coding-DNA position 259, A replaced by G.
Protein change: p.Ile87Val; replaces isoleucine 87 with valine.
Molecular consequence: missense variant.
Genome position (GRCh38, 1-based): chr11:88,334,996, T>C on the plus strand (A>G on the coding strand, the complement: CTSC is on the minus strand). VCF-style: chr11-88334996-T-C. GRCh37 (hg19) VCF-style: chr11-88068164-T-C.
Other names: c.259A>G (LRG_50t1); c.259A>G, p.Ile87Val (NM_001114173.3, NM_148170.5); short protein forms I87V.
Identifiers: ClinVar variation 548698 (VCV000548698.11), dbSNP rs45447392, ClinGen allele CA6220087.